The following is an entry in ClinVar:

ClinVar aggregate classification (germline): Uncertain significance (1 of 4 stars; one submission).

Conditions:
Tay-Sachs disease, variant AB. Also called: Gm2-gangliosidosis, ab variant; GM2 Activator Deficiency. Identifiers: Orphanet 309246, MedGen C0268275, MONDO:0010099, OMIM 272750.

Submission:

Labcorp Genetics (formerly Invitae), Labcorp
Classification: Uncertain significance for Tay-Sachs disease, variant AB. Last evaluated: 2022-07-25. Review status: criteria provided, single submitter. Criteria: Invitae Variant Classification Sherloc (09022015). Collection method: clinical testing. Allele origin: germline.
Comment: This sequence change replaces valine, which is neutral and non-polar, with alanine, which is neutral and non-polar, at codon 68 of the GM2A protein (p.Val68Ala). This variant is not present in population databases (gnomAD no frequency). This variant has not been reported in the literature in individuals affected with GM2A-related conditions. Algorithms developed to predict the effect of missense changes on protein structure and function output the following: SIFT: "Tolerated"; PolyPhen-2: "Benign"; Align-GVGD: "Class C0". The alanine amino acid residue is found in multiple mammalian species, which suggests that this missense change does not adversely affect protein function. In summary, the available evidence is currently insufficient to determine the role of this variant in disease. Therefore, it has been classified as a Variant of Uncertain Significance.

NM_000405.5(GM2A):c.203T>C (p.Val68Ala)

Gene: GM2A (ganglioside GM2 activator; plus strand). Cytogenetic location: 5q33.1.
Variant type: single nucleotide variant.
Coding change: c.203T>C on transcript NM_000405.5 (MANE Select); coding-DNA position 203, T replaced by C.
Protein change: p.Val68Ala; replaces valine 68 with alanine.
Molecular consequence: missense variant.
Genome position (GRCh38, 1-based): chr5:151,259,876, T>C. VCF-style: chr5-151259876-T-C. GRCh37 (hg19) VCF-style: chr5-150639437-T-C.
Other names: c.203T>C, p.Val68Ala (NM_001167607.3); short protein forms V68A.
Identifiers: ClinVar variation 1968113 (VCV001968113.5), dbSNP rs893036133, ClinGen allele CA129894996.
Genomic context (GRCh38, chr5:151,259,876, plus strand): 5'-TCAGAAGCCTGACTCTGGAGCCTGACCCCATCATCGTTCCTGGAAATGTGACCCTCAGTG[T>C]CATGGGCAGCACCAGTGTCCCCCTGAGTTCTCCTCTGAAGGTGAGCCTGGGGGTGGGTGG-3'
Protein context (NP_000396.2, residues 58-78): IIVPGNVTLS[Val68Ala]MGSTSVPLSS